The following is an entry in ClinVar:

NM_024426.6(WT1):c.656A>G (p.Asn219Ser)

Genes: WT1 (WT1 transcription factor; minus strand), LOC107982234 (WT1/WT1-AS bi-directional promoter region; plus strand). Cytogenetic location: 11p13.
Variant type: single nucleotide variant.
Coding change: c.656A>G on transcript NM_024426.6 (MANE Select); coding-DNA position 656, A replaced by G.
Protein change: p.Asn219Ser; replaces asparagine 219 with serine.
Molecular consequence: missense variant. On other transcripts: non-coding transcript variant (1).
Genome position (GRCh38, 1-based): chr11:32,434,705, T>C on the plus strand (A>G on the coding strand, the complement: WT1 is on the minus strand). VCF-style: chr11-32434705-T-C. GRCh37 (hg19) VCF-style: chr11-32456251-T-C.
Other names: c.656A>G, p.Asn219Ser (NM_000378.6, NM_001407044.1, NM_001407045.1 and 6 more transcripts); c.641A>G, p.Asn214Ser (NM_024425.2); c.641A>G (NM_024426.4); short protein forms N214S, N219S.
Identifiers: ClinVar variation 2013879 (VCV002013879.5), dbSNP rs2494474799, ClinGen allele CA379964395.
Genomic context (GRCh38, chr11:32,434,705, plus strand): 5'-GAGAGTCCCTGGCGCCACTGCCCCGCGCGTAGGGGGCGCTCCCCGGCCTACTTACCCTGA[T>C]TGCGAATAGCGGGCTGGCTCTCGAGGCAGCTGGGCAGGTAGGGCGCGTTAGGAAACATCC-3'
Protein context (NP_077744.4, residues 209-229): SCLESQPAIR[Asn219Ser]QGYSTVTFDG

ClinVar aggregate classification (germline): Uncertain significance. Review status: criteria provided, multiple submitters, no conflicts (2 of 4 stars). 2 submissions from 2 submitters: Uncertain significance (2). Last evaluated 2025-06-29.

Conditions:
Drash syndrome (DDS). Also called: NEPHROPATHY, WILMS TUMOR, AND GENITAL ANOMALIES; WILMS TUMOR AND PSEUDO- OR TRUE HERMAPHRODITISM. Identifiers: Orphanet 220, MedGen C0950121, MONDO:0008682, OMIM 194080.
Frasier syndrome. Identifiers: Orphanet 347, MedGen C0950122, MeSH D052159, MONDO:0007635, OMIM 136680.
Wilms tumor 1 (WT1). Also called: Wilms tumor, somatic. Identifiers: Orphanet 654, MedGen CN033288, MONDO:0008679, OMIM 194070.
11p partial monosomy syndrome (WAGR). Also called: WAGR Complex; CHROMOSOME 11p13 DELETION SYNDROME; WAGR Spectrum Disorder; WAGR syndrome. Identifiers: Orphanet 893, MedGen C0206115, MONDO:0008681, OMIM 194072.
Inborn genetic diseases. Identifiers: MedGen C0950123, MeSH D030342.

Submissions (2):

Ambry Genetics
Classification: Uncertain significance for Inborn genetic diseases. Last evaluated: 2025-06-29. Review status: criteria provided, single submitter. Criteria: Ambry Variant Classification Scheme 2023. Collection method: clinical testing. Allele origin: germline.
Comment: The p.N214S variant (also known as c.641A>G), located in coding exon 1 of the WT1 gene, results from an A to G substitution at nucleotide position 641. The asparagine at codon 214 is replaced by serine, an amino acid with highly similar properties. This amino acid position is conserved. In addition, this alteration is predicted to be tolerated by in silico analysis. Based on the available evidence, the clinical significance of this variant remains unclear.

Labcorp Genetics (formerly Invitae), Labcorp
Classification: Uncertain significance for Wilms tumor 1; Drash syndrome; 11p partial monosomy syndrome; Frasier syndrome. Last evaluated: 2022-07-05. Review status: criteria provided, single submitter. Criteria: Invitae Variant Classification Sherloc (09022015). Collection method: clinical testing. Allele origin: germline.
Comment: This sequence change replaces asparagine, which is neutral and polar, with serine, which is neutral and polar, at codon 214 of the WT1 protein (p.Asn214Ser). This variant is not present in population databases (gnomAD no frequency). This variant has not been reported in the literature in individuals affected with WT1-related conditions. Algorithms developed to predict the effect of missense changes on protein structure and function (SIFT, PolyPhen-2, Align-GVGD) all suggest that this variant is likely to be disruptive. In summary, the available evidence is currently insufficient to determine the role of this variant in disease. Therefore, it has been classified as a Variant of Uncertain Significance.